The following is an entry in ClinVar:

NM_001164508.2(NEB):c.266G>A (p.Ser89Asn)

Gene: NEB (nebulin; minus strand). Cytogenetic location: 2q23.3.
Variant type: single nucleotide variant.
Coding change: c.266G>A on transcript NM_001164508.2 (MANE Select); coding-DNA position 266, G replaced by A.
Protein change: p.Ser89Asn; replaces serine 89 with asparagine.
Molecular consequence: missense variant.
Genome position (GRCh38, 1-based): chr2:151,727,719, C>T on the plus strand (G>A on the coding strand, the complement: NEB is on the minus strand). VCF-style: chr2-151727719-C-T. GRCh37 (hg19) VCF-style: chr2-152584233-C-T.
Other names: c.266G>A, p.Ser89Asn (NM_001164507.2, NM_001271208.2, NM_004543.5); short protein forms S89N.
Identifiers: ClinVar variation 3388978 (VCV003388978.14).

ClinVar aggregate classification (germline): Uncertain significance (1 of 4 stars; one submission).

gnomAD v4.1: 1 of 1,613,422 alleles (0.000062%); highest among the groups gnomAD compares: Non-Finnish European, 0.000085%; no homozygotes.

Submission:

CeGaT Center for Human Genetics Tuebingen
Classification: Uncertain significance. Last evaluated: 2024-11-01. Review status: criteria provided, single submitter. Criteria: CeGaT Center For Human Genetics Tuebingen Variant Classification Criteria Version 2. Collection method: clinical testing. Allele origin: germline. Affected: yes. Observed: 1 variant allele.
Comment: NEB: PM2